The following is an entry in ClinVar:

ClinVar aggregate classification (germline): Uncertain significance (1 of 4 stars; one submission).

Conditions:
Cardiovascular phenotype. Identifiers: MedGen CN230736.

Submission:

Ambry Genetics
Classification: Uncertain significance for Cardiovascular phenotype. Last evaluated: 2025-03-18. Review status: criteria provided, single submitter. Criteria: Ambry Variant Classification Scheme 2023. Collection method: clinical testing. Allele origin: germline.
Comment: The p.D64N variant (also known as c.190G>A), located in coding exon 1 of the CBL gene, results from a G to A substitution at nucleotide position 190. The aspartic acid at codon 64 is replaced by asparagine, an amino acid with highly similar properties. This amino acid position is conserved. In addition, the in silico prediction for this alteration is inconclusive. Based on the available evidence, the clinical significance of this variant remains unclear.

NM_005188.4(CBL):c.190G>A (p.Asp64Asn)

Gene: CBL (Cbl proto-oncogene; plus strand). Cytogenetic location: 11q23.3.
Variant type: single nucleotide variant.
Coding change: c.190G>A on transcript NM_005188.4 (MANE Select); coding-DNA position 190, G replaced by A.
Protein change: p.Asp64Asn; replaces aspartic acid 64 with asparagine.
Molecular consequence: missense variant.
Genome position (GRCh38, 1-based): chr11:119,206,607, G>A. VCF-style: chr11-119206607-G-A. GRCh37 (hg19) VCF-style: chr11-119077317-G-A.
Other names: short protein forms D64N.
Identifiers: ClinVar variation 3995973 (VCV003995973.1).